The following is an entry in ClinVar:

NM_001378030.1(CCDC78):c.753del (p.Trp252fs)

Gene: CCDC78 (coiled-coil domain containing 78; minus strand). Cytogenetic location: 16p13.3.
Variant type: Deletion.
Coding change: c.753del on transcript NM_001378030.1 (MANE Select); coding-DNA position 753, one base deleted (C; older notation c.753delC).
Protein change: p.Trp252fs; shifts the reading frame from tryptophan 252.
Molecular consequence: frameshift variant. On other transcripts: non-coding transcript variant (5), intron variant (1).
Genome position (GRCh38, 1-based): chr16:724,693, G deleted on the plus strand (C on the coding strand, the reverse complement: CCDC78 is on the minus strand); the first of 2 consecutive G bases (chr16:724,693-724,694); deleting either gives the same sequence. VCF-style (leftmost placement, unchanged base first): chr16-724692-AG-A. GRCh37 (hg19) VCF-style: chr16-774692-AG-A.
Other names: c.753del, p.Trp252fs (NM_001031737.3, NM_001378031.1); c.199-184del (NM_001378033.1); short protein forms W252fs.
Identifiers: ClinVar variation 504102 (VCV000504102.2), dbSNP rs1555485689, ClinGen allele CA658798455.
Genomic context (GRCh38, chr16:724,692, plus strand): 5'-AGGCCAGGCTTGGGCTCCCTAGGCCTCAGGGTGCTCCTGCAGGGCTCACCACTGCCTGCC[AG>A]GCGCAGTGTTGCAGCCGTAGGACGTACTCATCCTTCAGTTTCTTGAGCTGCAGCTGCAGC-3'

ClinVar aggregate classification (germline): Uncertain significance (1 of 4 stars; one submission).

Submission:

GeneDx
Classification: Uncertain significance. Last evaluated: 2018-01-30. Review status: criteria provided, single submitter. Criteria: GeneDx Variant Classification (06012015). Collection method: clinical testing. Allele origin: germline. Affected: yes.
Comment: The c.753delC variant in the CCDC78 gene has not been reported previously as a pathogenic variant nor as a benign variant, to our knowledge. The c.753delC variant causes a frameshift starting with codon Tryptophan 252, changes this amino acid to a Glycine residue, and creates a premature Stop codon at position 55 of the new reading frame, denoted p.Trp252GlyfsX55. This variant is predicted to cause loss of normal protein function either through protein truncation or nonsense-mediated mRNA decay. The c.753delC variant is not observed in large population cohorts (Lek et al., 2016). We interpret c.753delC as a variant of uncertain significance